The following is an entry in ClinVar:

ClinVar aggregate classification (germline): Uncertain significance (1 of 4 stars; one submission).

Conditions:
Hereditary cancer-predisposing syndrome. Also called: Neoplastic Syndromes, Hereditary; Tumor predisposition; Hereditary neoplastic syndrome; Hereditary Cancer Syndrome. Identifiers: Orphanet 140162, MedGen C0027672, MeSH D009386, MONDO:0015356.

Submission:

Ambry Genetics
Classification: Uncertain significance for Hereditary cancer-predisposing syndrome. Last evaluated: 2023-08-09. Review status: criteria provided, single submitter. Criteria: Ambry Variant Classification Scheme 2023. Collection method: clinical testing. Allele origin: germline.
Comment: The p.Y133C variant (also known as c.398A>G), located in coding exon 4 of the BMPR1A gene, results from an A to G substitution at nucleotide position 398. The tyrosine at codon 133 is replaced by cysteine, an amino acid with highly dissimilar properties. This amino acid position is not well conserved in available vertebrate species. In addition, the in silico prediction for this alteration is inconclusive. Since supporting evidence is limited at this time, the clinical significance of this alteration remains unclear.

NM_004329.3(BMPR1A):c.398A>G (p.Tyr133Cys)

Gene: BMPR1A (bone morphogenetic protein receptor type 1A; plus strand). Cytogenetic location: 10q23.2.
Variant type: single nucleotide variant.
Coding change: c.398A>G on transcript NM_004329.3 (MANE Select); coding-DNA position 398, A replaced by G.
Protein change: p.Tyr133Cys; replaces tyrosine 133 with cysteine.
Molecular consequence: missense variant.
Genome position (GRCh38, 1-based): chr10:86,899,858, A>G. VCF-style: chr10-86899858-A-G. GRCh37 (hg19) VCF-style: chr10-88659615-A-G.
Other names: short protein forms Y133C.
Identifiers: ClinVar variation 824461 (VCV000824461.5), dbSNP rs1589768056, ClinGen allele CA377449710.